The following is an entry in ClinVar:

ClinVar aggregate classification (germline): Uncertain significance (1 of 4 stars; one submission).

Conditions:
Epileptic encephalopathy. Identifiers: MedGen C0543888, HP:0200134.

Submission:

Labcorp Genetics (formerly Invitae), Labcorp
Classification: Uncertain significance for Epileptic encephalopathy. Last evaluated: 2020-08-06. Review status: criteria provided, single submitter. Criteria: Invitae Variant Classification Sherloc (09022015). Collection method: clinical testing. Allele origin: germline.
Comment: This variant is not present in population databases (ExAC no frequency). This sequence change replaces valine with alanine at codon 1794 of the FASN protein (p.Val1794Ala). The valine residue is weakly conserved and there is a small physicochemical difference between valine and alanine. This variant has not been reported in the literature in individuals with FASN-related conditions. Algorithms developed to predict the effect of missense changes on protein structure and function are either unavailable or do not agree on the potential impact of this missense change (SIFT: "Deleterious"; PolyPhen-2: "Benign"; Align-GVGD: "Class C0"). In summary, the available evidence is currently insufficient to determine the role of this variant in disease. Therefore, it has been classified as a Variant of Uncertain Significance.

NM_004104.5(FASN):c.5381T>C (p.Val1794Ala)

Gene: FASN (fatty acid synthase; minus strand). Cytogenetic location: 17q25.3.
Variant type: single nucleotide variant.
Coding change: c.5381T>C on transcript NM_004104.5 (MANE Select); coding-DNA position 5381, T replaced by C.
Protein change: p.Val1794Ala; replaces valine 1794 with alanine.
Molecular consequence: missense variant.
Genome position (GRCh38, 1-based): chr17:82,083,386, A>G on the plus strand (T>C on the coding strand, the complement: FASN is on the minus strand). VCF-style: chr17-82083386-A-G. GRCh37 (hg19) VCF-style: chr17-80041262-A-G.
Other names: short protein forms V1794A.
Identifiers: ClinVar variation 1045527 (VCV001045527.8), dbSNP rs2034027190, ClinGen allele CA401538632.